The following is an entry in ClinVar:

NM_080680.3(COL11A2):c.2447C>T (p.Pro816Leu)

Gene: COL11A2 (collagen type XI alpha 2 chain; minus strand). Cytogenetic location: 6p21.32.
Variant type: single nucleotide variant.
Coding change: c.2447C>T on transcript NM_080680.3 (MANE Select); coding-DNA position 2447, C replaced by T.
Protein change: p.Pro816Leu; replaces proline 816 with leucine.
Molecular consequence: missense variant.
Genome position (GRCh38, 1-based): chr6:33,174,202, G>A on the plus strand (C>T on the coding strand, the complement: COL11A2 is on the minus strand). VCF-style: chr6-33174202-G-A. GRCh37 (hg19) VCF-style: chr6-33141979-G-A.
Other names: c.2126C>T, p.Pro709Leu (NM_080679.3); c.2189C>T, p.Pro730Leu (NM_080681.3); short protein forms P709L, P816L, P730L.
Identifiers: ClinVar variation 1517209 (VCV001517209.8), dbSNP rs2150560204, ClinGen allele CA363643807.

ClinVar aggregate classification (germline): Uncertain significance (1 of 4 stars; one submission).

gnomAD v4.1: 1 of 1,573,658 alleles (0.000064%); highest among the groups gnomAD compares: Non-Finnish European, 0.000086%; no homozygotes.

Submission:

Labcorp Genetics (formerly Invitae), Labcorp
Classification: Uncertain significance. Last evaluated: 2023-05-13. Review status: criteria provided, single submitter. Criteria: Invitae Variant Classification Sherloc (09022015). Collection method: clinical testing. Allele origin: germline.
Comment: Advanced modeling of protein sequence and biophysical properties (such as structural, functional, and spatial information, amino acid conservation, physicochemical variation, residue mobility, and thermodynamic stability) performed at Invitae indicates that this missense variant is not expected to disrupt COL11A2 protein function. ClinVar contains an entry for this variant (Variation ID: 1517209). This variant has not been reported in the literature in individuals affected with COL11A2-related conditions. This variant is not present in population databases (gnomAD no frequency). This sequence change replaces proline, which is neutral and non-polar, with leucine, which is neutral and non-polar, at codon 816 of the COL11A2 protein (p.Pro816Leu). In summary, the available evidence is currently insufficient to determine the role of this variant in disease. Therefore, it has been classified as a Variant of Uncertain Significance.